The following is an entry in ClinVar:

NM_015178.3(RHOBTB2):c.472C>A (p.Pro158Thr)

Gene: RHOBTB2 (Rho related BTB domain containing 2; plus strand). Cytogenetic location: 8p21.3.
Variant type: single nucleotide variant.
Coding change: c.472C>A on transcript NM_015178.3 (MANE Select); coding-DNA position 472, C replaced by A.
Protein change: p.Pro158Thr; replaces proline 158 with threonine.
Molecular consequence: missense variant.
Genome position (GRCh38, 1-based): chr8:23,006,135, C>A. VCF-style: chr8-23006135-C-A. GRCh37 (hg19) VCF-style: chr8-22863648-C-A.
Other names: c.538C>A, p.Pro180Thr (NM_001160036.2); c.493C>A, p.Pro165Thr (NM_001160037.2); c.472C>A, p.Pro158Thr (NM_001374791.1); short protein forms P158T, P165T, P180T.
Identifiers: ClinVar variation 2841318 (VCV002841318.3), dbSNP rs967415593, ClinGen allele CA173873383.

ClinVar aggregate classification (germline): Uncertain significance (1 of 4 stars; one submission).

Submission:

Labcorp Genetics (formerly Invitae), Labcorp
Classification: Uncertain significance. Last evaluated: 2025-03-19. Review status: criteria provided, single submitter. Criteria: Invitae Variant Classification Sherloc (09022015). Collection method: clinical testing. Allele origin: germline.
Comment: This sequence change replaces proline, which is neutral and non-polar, with threonine, which is neutral and polar, at codon 180 of the RHOBTB2 protein (p.Pro180Thr). This variant is not present in population databases (gnomAD no frequency). This variant has not been reported in the literature in individuals affected with RHOBTB2-related conditions. ClinVar contains an entry for this variant (Variation ID: 2841318). Invitae Evidence Modeling of protein sequence and biophysical properties (such as structural, functional, and spatial information, amino acid conservation, physicochemical variation, residue mobility, and thermodynamic stability) indicates that this missense variant is not expected to disrupt RHOBTB2 protein function with a negative predictive value of 80%. In summary, the available evidence is currently insufficient to determine the role of this variant in disease. Therefore, it has been classified as a Variant of Uncertain Significance.